The following is an entry in ClinVar:

NM_194454.3(KRIT1):c.1879C>T (p.Gln627Ter)

Gene: KRIT1 (KRIT1 ankyrin repeat containing; minus strand). Cytogenetic location: 7q21.2.
Variant type: single nucleotide variant.
Coding change: c.1879C>T on transcript NM_194454.3 (MANE Select); coding-DNA position 1879, C replaced by T.
Protein change: p.Gln627Ter; replaces glutamine 627 with a stop codon.
Molecular consequence: nonsense.
Genome position (GRCh38, 1-based): chr7:92,213,341, G>A on the plus strand (C>T on the coding strand, the complement: KRIT1 is on the minus strand). VCF-style: chr7-92213341-G-A. GRCh37 (hg19) VCF-style: chr7-91842655-G-A.
Other names: 1283C-T; c.1735C>T, p.Gln579Ter (NM_001013406.2, NM_001350669.1, NM_001350670.1); c.1165C>T, p.Gln389Ter (NM_001350671.1); c.1879C>T, p.Gln627Ter (NM_001350672.1, NM_001350673.1, NM_001350674.1 and 26 more transcripts); short protein forms Q389*, Q579*, Q627*.
Identifiers: ClinVar variation 5718 (VCV000005718.6), dbSNP rs2131309013, ClinGen allele CA368140184.
Genomic context (GRCh38, chr7:92,213,341, plus strand): 5'-TTGTAAATATCTGTCCTGTGAAAAATGCTGCTCCATAAGTAGGAATTTCCCAGCAATTCT[G>A]TAAGAACATGCGCTGAAGGTGATGCATTTCTTTACTGACACCTTCACTTGTACTGAGATT-3'

ClinVar aggregate classification (germline): Pathogenic. Review status: criteria provided, single submitter (1 of 4 stars). 2 submissions from 2 submitters: Pathogenic (1). 1 of the submissions does not count toward it. Last evaluated 2024-02-02.

Conditions:
Cerebral cavernous malformation (CCM). Also called: Cerebral cavernous malformations; CAVERNOUS ANGIOMA, FAMILIAL; CAVERNOUS ANGIOMATOUS MALFORMATIONS; CEREBRAL CAPILLARY MALFORMATIONS; Cavernous Hemangioma of Brain; Cerebral cavernous hemangioma (type). Identifiers: Orphanet 221061, MedGen C2919945, MONDO:0000820, OMIM 116860, HP:0033522.
Cerebral cavernous malformation 1. Also called: Cerebral cavernous malformations 1; Familial Cerebral Cavernous Malformation 1. Identifiers: MedGen C1366911, MONDO:0020724.

Submissions (2):

Labcorp Genetics (formerly Invitae), Labcorp
Classification: Pathogenic for Cerebral cavernous malformation. Last evaluated: 2024-02-02. Review status: criteria provided, single submitter. Criteria: Invitae Variant Classification Sherloc (09022015). Collection method: clinical testing. Allele origin: germline.
Comment: This sequence change creates a premature translational stop signal (p.Gln627*) in the KRIT1 gene. It is expected to result in an absent or disrupted protein product. Loss-of-function variants in KRIT1 are known to be pathogenic (PMID: 10508515, 11222804, 12404106, 24689081). This variant is not present in population databases (gnomAD no frequency). This premature translational stop signal has been observed in individual(s) with cerebral cavernous malformations-1 (PMID: 10508515). This variant is also known as 1283C>T. ClinVar contains an entry for this variant (Variation ID: 5718). For these reasons, this variant has been classified as Pathogenic.

OMIM
Classification: Pathogenic for CEREBRAL CAVERNOUS MALFORMATIONS 1. Last evaluated: 1999-10-01. Review status: no assertion criteria provided. Collection method: literature only. Allele origin: germline. Not counted in ClinVar's aggregate classification.

Literature cited by the submitters: PubMed 10508515 (cited by Labcorp Genetics (formerly Invitae), Labcorp and OMIM); PubMed 11222804 (cited by Labcorp Genetics (formerly Invitae), Labcorp); PubMed 12404106 (cited by Labcorp Genetics (formerly Invitae), Labcorp); PubMed 24689081 (cited by Labcorp Genetics (formerly Invitae), Labcorp).